The following is an entry in ClinVar:

ClinVar aggregate classification (germline): Uncertain significance. Review status: criteria provided, multiple submitters, no conflicts (2 of 4 stars). 2 submissions from 2 submitters: Uncertain significance (2). Last evaluated 2025-09-03.

Conditions:
Hereditary cancer-predisposing syndrome. Also called: Neoplastic Syndromes, Hereditary; Hereditary Cancer Syndrome; Tumor predisposition; Hereditary neoplastic syndrome. Identifiers: Orphanet 140162, MedGen C0027672, MeSH D009386, MONDO:0015356.
Ataxia-telangiectasia syndrome (AT). Also called: LOUIS-BAR SYNDROME; ATAXIA-TELANGIECTASIA, COMPLEMENTATION GROUP A; Ataxia-telangiectasia, complementation group D; AT, COMPLEMENTATION GROUP C; Ataxia-telangiectasia, complementation group E; Ataxia-telangiectasia. Identifiers: Orphanet 100, MedGen C0004135, MONDO:0008840, OMIM 208900.

Submissions (2):

Ambry Genetics
Classification: Uncertain significance for Hereditary cancer-predisposing syndrome. Last evaluated: 2025-09-03. Review status: criteria provided, single submitter. Criteria: Ambry Variant Classification Scheme 2023. Collection method: clinical testing. Allele origin: germline.
Comment: The p.G1586E variant (also known as c.4757G>A), located in coding exon 30 of the ATM gene, results from a G to A substitution at nucleotide position 4757. The glycine at codon 1586 is replaced by glutamic acid, an amino acid with similar properties. This amino acid position is conserved. In addition, the in silico prediction for this alteration is inconclusive. Based on the available evidence, the clinical significance of this variant remains unclear.

Labcorp Genetics (formerly Invitae), Labcorp
Classification: Uncertain significance for Ataxia-telangiectasia syndrome. Last evaluated: 2025-06-27. Review status: criteria provided, single submitter. Criteria: Invitae Variant Classification Sherloc (09022015). Collection method: clinical testing. Allele origin: germline.
Comment: This sequence change replaces glycine, which is neutral and non-polar, with glutamic acid, which is acidic and polar, at codon 1586 of the ATM protein (p.Gly1586Glu). This variant is not present in population databases (gnomAD no frequency). This variant has not been reported in the literature in individuals affected with ATM-related conditions. ClinVar contains an entry for this variant (Variation ID: 2568198). Invitae Evidence Modeling of protein sequence and biophysical properties (such as structural, functional, and spatial information, amino acid conservation, physicochemical variation, residue mobility, and thermodynamic stability) indicates that this missense variant is not expected to disrupt ATM protein function with a negative predictive value of 95%. In summary, the available evidence is currently insufficient to determine the role of this variant in disease. Therefore, it has been classified as a Variant of Uncertain Significance.

NM_000051.4(ATM):c.4757G>A (p.Gly1586Glu)

Gene: ATM (ATM serine/threonine kinase; plus strand). Cytogenetic location: 11q22.3.
Variant type: single nucleotide variant.
Coding change: c.4757G>A on transcript NM_000051.4 (MANE Select); coding-DNA position 4757, G replaced by A.
Protein change: p.Gly1586Glu; replaces glycine 1586 with glutamic acid.
Molecular consequence: missense variant.
Genome position (GRCh38, 1-based): chr11:108,293,458, G>A. VCF-style: chr11-108293458-G-A. GRCh37 (hg19) VCF-style: chr11-108164185-G-A.
Other names: c.4757G>A, p.Gly1586Glu (NM_001351834.2); short protein forms G1586E.
Identifiers: ClinVar variation 2568198 (VCV002568198.5), dbSNP rs2135813595, ClinGen allele CA382535145.
Genomic context (GRCh38, chr11:108,293,458, plus strand): 5'-CTGACCATGTTGTTTTTAAGGATTTGCGTATTACTCAGCAAAAAATCAAATACAGTAGAG[G>A]ACCCTTTTCACTCTTGGAGGTAATAAAAATTTCATCATCTACTATTTTTTATTAGAGAAC-3'
Protein context (NP_000042.3, residues 1576-1596): ITQQKIKYSR[Gly1586Glu]PFSLLEEINH